The following is an entry in ClinVar:

NM_004415.4(DSP):c.4685C>A (p.Ser1562Tyr)

Gene: DSP (desmoplakin; plus strand). Cytogenetic location: 6p24.3.
Variant type: single nucleotide variant.
Coding change: c.4685C>A on transcript NM_004415.4 (MANE Select); coding-DNA position 4685, C replaced by A.
Protein change: p.Ser1562Tyr; replaces serine 1562 with tyrosine.
Molecular consequence: missense variant. On other transcripts: intron variant (2).
Genome position (GRCh38, 1-based): chr6:7,580,875, C>A. VCF-style: chr6-7580875-C-A. GRCh37 (hg19) VCF-style: chr6-7581108-C-A.
Other names: c.4050+635C>A (NM_001319034.2); c.3582+1103C>A (NM_001008844.3); short protein forms S1562Y.
Identifiers: ClinVar variation 4527278 (VCV004527278.2).

ClinVar aggregate classification (germline): Uncertain significance. Review status: criteria provided, multiple submitters, no conflicts (2 of 4 stars). 2 submissions from 2 submitters: Uncertain significance (2). Last evaluated 2025-04-21.

gnomAD v4.1: 19 of 1,614,046 alleles (0.0012%); highest among the groups gnomAD compares: Non-Finnish European, 0.0016%; no homozygotes.

Submissions (2):

GeneDx
Classification: Uncertain significance. Last evaluated: 2025-04-21. Review status: criteria provided, single submitter. Criteria: GeneDx Variant Classification Process June 2021. Collection method: clinical testing. Allele origin: germline. Affected: yes.
Comment: Not observed at significant frequency in large population cohorts (gnomAD); In silico analysis indicates that this missense variant does not alter protein structure/function; Has not been previously published as pathogenic or benign to our knowledge

Blueprint Genetics
Classification: Uncertain significance. Last evaluated: 2018-08-29. Review status: criteria provided, single submitter. Criteria: ACMG Guidelines, 2015. Collection method: clinical testing. Allele origin: germline.